The following is an entry in ClinVar:

ClinVar aggregate classification (germline): Likely benign (1 of 4 stars; one submission).

Submission:

CeGaT Center for Human Genetics Tuebingen
Classification: Likely benign. Last evaluated: 2023-05-01. Review status: criteria provided, single submitter. Criteria: CeGaT Center For Human Genetics Tuebingen Variant Classification Criteria Version 2. Collection method: clinical testing. Allele origin: germline. Affected: yes. Observed: 1 variant allele.
Comment: JRK: PM2:Supporting, BP4, BP7

NM_003724.4(JRK):c.1353G>T (p.Arg451=)

Gene: JRK (Jrk helix-turn-helix protein; minus strand). Cytogenetic location: 8q24.3.
Variant type: single nucleotide variant.
Coding change: c.1353G>T on transcript NM_003724.4 (MANE Select); coding-DNA position 1353, G replaced by T.
Protein change: p.Arg451=; no amino-acid change (arginine 451 retained).
Molecular consequence: synonymous variant.
Genome position (GRCh38, 1-based): chr8:142,664,706, C>A on the plus strand (G>T on the coding strand, the complement: JRK is on the minus strand). VCF-style: chr8-142664706-C-A. GRCh37 (hg19) VCF-style: chr8-143746125-C-A.
Other names: c.1353G>T, p.Arg451= (NM_001077527.3, NM_001279352.2).
Identifiers: ClinVar variation 2658882 (VCV002658882.24), dbSNP rs2539853416, ClinGen allele CA463502756.